The following is an entry in ClinVar:

NM_020442.6(VARS2):c.76C>T (p.His26Tyr)

Gene: VARS2 (valyl-tRNA synthetase 2, mitochondrial; plus strand). Cytogenetic location: 6p21.33.
Variant type: single nucleotide variant.
Coding change: c.76C>T on transcript NM_020442.6 (MANE Select); coding-DNA position 76, C replaced by T.
Protein change: p.His26Tyr; replaces histidine 26 with tyrosine.
Molecular consequence: missense variant. On other transcripts: intron variant (1).
Genome position (GRCh38, 1-based): chr6:30,914,912, C>T. VCF-style: chr6-30914912-C-T. GRCh37 (hg19) VCF-style: chr6-30882689-C-T.
Other names: c.166C>T, p.His56Tyr (NM_001167734.2); c.-219-244C>T (NM_001167733.3); short protein forms H26Y, H56Y.
Identifiers: ClinVar variation 380188 (VCV000380188.13), dbSNP rs6926224, ClinGen allele CA3705490.

ClinVar aggregate classification (germline): Benign. Review status: criteria provided, multiple submitters, no conflicts (2 of 4 stars). 3 submissions from 3 submitters: Benign (2). 1 of the submissions does not count toward it. Last evaluated 2026-02-03.

Allele frequency attached by ClinVar (database versions not stated): gnomAD exomes 0.03597 and 0.05075; ExAC 0.04859; 1000 Genomes Project 0.06490; gnomAD 0.06502 and 0.06678; ESP Exome Variant Server 0.06637; 1000 Genomes Project 30x 0.06761; TOPMed 0.07485.

Submissions (3):

Labcorp Genetics (formerly Invitae), Labcorp
Classification: Benign. Last evaluated: 2026-02-03. Review status: criteria provided, single submitter. Criteria: Invitae Variant Classification Sherloc (09022015). Collection method: clinical testing. Allele origin: germline.

GeneDx
Classification: Benign. Last evaluated: 2015-12-17. Review status: criteria provided, single submitter. Criteria: GeneDx Variant Classification (06012015). Collection method: clinical testing. Allele origin: germline. Affected: yes.
Comment: This variant is considered likely benign or benign based on one or more of the following criteria: it is a conservative change, it occurs at a poorly conserved position in the protein, it is predicted to be benign by multiple in silico algorithms, and/or has population frequency not consistent with disease.

Mayo Clinic Laboratories, Mayo Clinic
Classification: Benign. Last evaluated: 2016-02-29. Review status: no assertion criteria provided. Collection method: clinical testing. Allele origin: unknown. Not counted in ClinVar's aggregate classification.